The following continues an entry in ClinVar:

NM_000303.3(PMM2):c.338C>T (p.Pro113Leu)

Gene: PMM2. ClinVar aggregate classification (germline): Pathogenic. Pathogenic (15).

Submissions 10 to 19 of 19:

Institute of Medical Genetics and Applied Genomics, University Hospital Tübingen
Classification: Pathogenic. Last evaluated: 2020-10-23. Review status: criteria provided, single submitter. Criteria: ACMG Guidelines, 2015. Collection method: clinical testing. Allele origin: germline. Inheritance: Unknown mechanism. Affected: yes.

Myriad Genetics, Inc.
Classification: Pathogenic for PMM2-congenital disorder of glycosylation. Last evaluated: 2019-12-11. Review status: criteria provided, single submitter. Criteria: Myriad Women's Health Autosomal Recessive and X-Linked Classification Criteria (2019). Collection method: clinical testing. Allele origin: unknown.
Comment: NM_000303.2(PMM2):c.338C>T(P113L) is classified as pathogenic in the context of congenital disorder of glycosylation type Ia. Sources cited for classification include the following: PMID 21541725, 9140401, 11156536 and 15844218. Classification of NM_000303.2(PMM2):c.338C>T(P113L) is based on the following criteria: This is a well-established pathogenic variant in the literature that has been observed more frequently in patients with clinical diagnoses than in healthy populations. Please note: this variant was assessed in the context of healthy population screening.â€šÃ„Ã¶âˆšÃ‘âˆšÂ£

Women's Health and Genetics/Laboratory Corporation of America, LabCorp
Classification: Pathogenic for Congenital disorder of glycosylation, type Ia. Last evaluated: 2019-05-24. Review status: criteria provided, single submitter. Criteria: LabCorp Variant Classification Summary - May 2015. Collection method: clinical testing. Allele origin: germline.
Comment: Variant summary: PMM2 c.338C>T (p.Pro113Leu) results in a non-conservative amino acid change in the encoded protein sequence. Five of five in-silico tools predict a damaging effect of the variant on protein function. The variant allele was found at a frequency of 2.4e-05 in 251400 control chromosomes. c.338C>T has been reported in the literature in multiple individuals affected with infantile multisystem CDG-1a (e.g. Matthijs_2000, Grunewald_2001, Vega_2011). These data indicate that the variant is very likely to be associated with disease. The variant has been shown in experimental studies to result in reduced enzyme activity, reduced half-life, and disruption of dimer formation (Grunewald_2001, Vega_2011). Three clinical diagnostic laboratories have submitted clinical-significance assessments for this variant to ClinVar after 2014 without evidence for independent evaluation. All laboratories classified the variant as pathogenic. Based on the evidence outlined above, the variant was classified as pathogenic.

Revvity Omics, Revvity
Classification: Pathogenic for PMM2-congenital disorder of glycosylation. Last evaluated: 2019-04-18. Review status: criteria provided, single submitter. Criteria: ACMG Guidelines, 2015. Collection method: clinical testing. Allele origin: germline.

Illumina Laboratory Services, Illumina
Classification: Pathogenic for PMM2-congenital disorder of glycosylation. Last evaluated: 2018-04-25. Review status: criteria provided, single submitter. Criteria: ICSL Variant Classification Criteria 09 May 2019. Collection method: clinical testing. Allele origin: germline.
Comment: Across a selection of the available literature, the PMM2 c.338C>T (p.Pro113Leu) variant has been reported in at least four studies and is found in a total of 13 probands, including one in a homozygous state and 12 in a compound heterozygous state (Matthijs et al. 1997; Briones et al. 2001; Le Bizec et al. 2005; Vega et al. 2011). Probands exhibited a range of phenotypes, including cerebellar atrophy, hypotonia, and lipodystrophy (Vega et al. 2011). In vitro analysis of the p.Pro113Leu variant found 43% residual activity compared to controls and 19% residual activity when in a homozygous state in proband fibroblasts (Vega et al. 2011). The p.Pro113Leu variant was also found to affect oligomerization of PMM2 subunits and PMM2 protein dimerization (Yuste-Checa et al. 2015). Control data are unavailable for this variant, which is reported at a frequency of 0.000349 in the European American population of the Exome Sequencing Project. Based on the evidence, the p.Pro113Leu variant is classified as pathogenic for congenital disorders of glycosylation. This variant was observed by ICSL as part of a predisposition screen in an ostensibly healthy population.

Eurofins Ntd Llc (ga)
Classification: Pathogenic. Last evaluated: 2016-04-19. Review status: criteria provided, single submitter. Criteria: EGL Classification Definitions. Collection method: clinical testing. Allele origin: germline. Observed: 6 variant alleles, 5 heterozygotes, 1 homozygote.

PreventionGenetics, part of Exact Sciences
Classification: Pathogenic for PMM2-related condition. Last evaluated: 2023-12-06. Review status: no assertion criteria provided. Collection method: clinical testing. Allele origin: germline. Not counted in ClinVar's aggregate classification.
Comment: The PMM2 c.338C>T variant is predicted to result in the amino acid substitution p.Pro113Leu. This variant was reported with a second known or potential causative variant in individuals with congenital disorder of glycosylation (see, for example, Matthijs et al. 1997. PubMed ID: 9140401; Yuste-Checa et al. 2015. PubMed ID: 26014514; Starosta et al. 2021. PubMed ID: 33413482; Lipiński et al. 2021. PubMed ID: 33643843; Pérez-Dueñas et al. 2008. PubMed ID: 18948042). In vitro functional analyses indicate that the p.Pro113Leu change results in loss of PMM2 activity (Vega et al. 2011. PubMed ID: 21541725; Yuste-Checa et al. 2015. PubMed ID: 26014514; Segovia-Falquina et al. 2022. PubMed ID: 35789514). This variant is reported in 0.0098% of alleles in individuals of South Asian descent in gnomAD. This variant is interpreted as pathogenic.

OMIM
Classification: Pathogenic for CONGENITAL DISORDER OF GLYCOSYLATION, TYPE Ia. Last evaluated: 2001-12-01. Review status: no assertion criteria provided. Collection method: literature only. Allele origin: germline. Not counted in ClinVar's aggregate classification.

GeneReviews
No classification provided. Condition: PMM2-congenital disorder of glycosylation. Review status: no classification provided. Collection method: literature only. Allele origin: unknown. Not counted in ClinVar's aggregate classification.

NIHR Bioresource Rare Diseases, University of Cambridge
Classification: Pathogenic for Ataxia; Spasticity; Cerebellar hypoplasia; Cerebral atrophy; Poor speech; Cerebral palsy. Review status: no assertion criteria provided. Collection method: research. Allele origin: unknown. Affected: yes. Observed: 1 variant allele. Not counted in ClinVar's aggregate classification.

Literature cited by the submitters: PubMed 9140401 (cited by 4 submitters); PubMed 11058895 (cited by Labcorp Genetics (formerly Invitae), Labcorp and Women's Health and Genetics/Laboratory Corporation of America, LabCorp); PubMed 18948042 (cited by Labcorp Genetics (formerly Invitae), Labcorp and 3billion); PubMed 21541725 (cited by 5 submitters); PubMed 26014514 (cited by Labcorp Genetics (formerly Invitae), Labcorp and Illumina Laboratory Services, Illumina); PubMed 32635232 (cited by Natera, Inc.); PubMed 23806237 (cited by Natera, Inc.); PubMed 15520415 (cited by 3billion); PubMed 11156536 (cited by Myriad Genetics, Inc. and Women's Health and Genetics/Laboratory Corporation of America, LabCorp); PubMed 15844218 (cited by Myriad Genetics, Inc. and Illumina Laboratory Services, Illumina); PubMed 11589167 (cited by Illumina Laboratory Services, Illumina); PubMed 11916319 (cited by OMIM and GeneReviews); PubMed 20301289 (cited by GeneReviews); NCBI Bookshelf NBK1110 (cited by GeneReviews); PubMed 32581362 (cited by NIHR Bioresource Rare Diseases, University of Cambridge).